The following is an entry in ClinVar:

ClinVar aggregate classification (germline): Pathogenic (1 of 4 stars; one submission).

Conditions:
Tyrosinemia type II (TYRSN2). Also called: KERATOSIS PALMOPLANTARIS WITH CORNEAL DYSTROPHY; OREGON TYPE TYROSINEMIA; TAT DEFICIENCY; TYROSINE AMINOTRANSFERASE DEFICIENCY; TYROSINE TRANSAMINASE DEFICIENCY. Identifiers: Orphanet 28378, MedGen C0268487, MONDO:0010160, OMIM 276600.

Submission:

Labcorp Genetics (formerly Invitae), Labcorp
Classification: Pathogenic for Tyrosinemia type II. Last evaluated: 2023-07-15. Review status: criteria provided, single submitter. Criteria: Invitae Variant Classification Sherloc (09022015). Collection method: clinical testing. Allele origin: germline.
Comment: For these reasons, this variant has been classified as Pathogenic. This variant has not been reported in the literature in individuals affected with TAT-related conditions. This variant is not present in population databases (gnomAD no frequency). This sequence change creates a premature translational stop signal (p.Cys275*) in the TAT gene. It is expected to result in an absent or disrupted protein product. Loss-of-function variants in TAT are known to be pathogenic (PMID: 9544843).

Literature cited by the submitters: PubMed 9544843.

NM_000353.3(TAT):c.825T>A (p.Cys275Ter)

Genes: TAT (tyrosine aminotransferase; minus strand), TAT-AS1 (TAT antisense RNA 1; plus strand). Cytogenetic location: 16q22.2.
Variant type: single nucleotide variant.
Coding change: c.825T>A on transcript NM_000353.3 (MANE Select); coding-DNA position 825, T replaced by A.
Protein change: p.Cys275Ter; replaces cysteine 275 with a stop codon.
Molecular consequence: nonsense.
Genome position (GRCh38, 1-based): chr16:71,570,766, A>T on the plus strand (T>A on the coding strand, the complement: TAT is on the minus strand). VCF-style: chr16-71570766-A-T. GRCh37 (hg19) VCF-style: chr16-71604669-A-T.
Other names: short protein forms C275*.
Identifiers: ClinVar variation 2743466 (VCV002743466.3), dbSNP rs2507664082, ClinGen allele CA396651347.
Genomic context (GRCh38, chr16:71,570,766, plus strand): 5'-ATGAATGAGGATCCAGCCCAACCTCCAGCCAGGAACCAGCCAGCGCTTGGCCAGCCCTCC[A>T]CAGGACAGGATGGGGACATCGGTGCTGAGGGTGGCCAGTGGTTCATATTTGCAATCCGAA-3'